The following is an entry in ClinVar:

NM_001367868.2(PLIN4):c.1557C>A (p.Thr519=)

Gene: PLIN4 (perilipin 4; minus strand). Cytogenetic location: 19p13.3.
Variant type: single nucleotide variant.
Coding change: c.1557C>A on transcript NM_001367868.2 (MANE Select); coding-DNA position 1557, C replaced by A.
Protein change: p.Thr519=; no amino-acid change (threonine 519 retained).
Molecular consequence: synonymous variant.
Genome position (GRCh38, 1-based): chr19:4,512,403, G>T on the plus strand (C>A on the coding strand, the complement: PLIN4 is on the minus strand). VCF-style: chr19-4512403-G-T. GRCh37 (hg19) VCF-style: chr19-4512415-G-T.
Other names: c.1560C>A, p.Thr520= (NM_001393888.1, NM_001393889.1); c.1557C>A, p.Thr519= (NM_001393890.1, NM_001393891.1).
Identifiers: ClinVar variation 3905030 (VCV003905030.10).

ClinVar aggregate classification (germline): Likely benign (1 of 4 stars; one submission).

Submission:

CeGaT Center for Human Genetics Tuebingen
Classification: Likely benign. Last evaluated: 2025-05-01. Review status: criteria provided, single submitter. Criteria: CeGaT Center For Human Genetics Tuebingen Variant Classification Criteria Version 2. Collection method: clinical testing. Allele origin: germline. Affected: yes. Observed: 1 variant allele.
Comment: PLIN4: BP4, BP7